The following is an entry in ClinVar:

ClinVar aggregate classification (germline): Uncertain significance (1 of 4 stars; one submission).

Submission:

Labcorp Genetics (formerly Invitae), Labcorp
Classification: Uncertain significance. Last evaluated: 2024-02-04. Review status: criteria provided, single submitter. Criteria: Invitae Variant Classification Sherloc (09022015). Collection method: clinical testing. Allele origin: germline.
Comment: This variant, c.565_567del, results in the deletion of 1 amino acid(s) of the CPOX protein (p.Gly189del), but otherwise preserves the integrity of the reading frame. This variant is present in population databases (rs778423283, gnomAD 0.003%). This variant has not been reported in the literature in individuals affected with CPOX-related conditions. Experimental studies and prediction algorithms are not available or were not evaluated, and the functional significance of this variant is currently unknown. This variant disrupts a region of the CPOX protein in which other variant(s) (coproporphyria) have been observed in individuals with CPOX-related conditions (PMID: 7849704). This suggests that this is a clinically significant region of the protein, and that variants that disrupt it are likely to be disease-causing. In summary, the available evidence is currently insufficient to determine the role of this variant in disease. Therefore, it has been classified as a Variant of Uncertain Significance.

Literature cited by the submitters: PubMed 7849704.

NM_000097.7(CPOX):c.562GGC[1] (p.Gly189del)

Gene: CPOX (coproporphyrinogen oxidase; minus strand). Cytogenetic location: 3q11.2.
Variant type: Microsatellite.
Coding change: c.562GGC[1] on transcript NM_000097.7 (MANE Select); one copy of the 3-base unit GGC starting at c.562; the reference has two copies in a row; one copy, 3 bases deleted.
Protein change: p.Gly189del; deletes glycine 189.
Molecular consequence: inframe deletion.
Genome position (GRCh38, 1-based): chr3:98,591,145-98,591,147, GCC deleted on the plus strand (GGC on the coding strand, the reverse complement: CPOX is on the minus strand); deleting any 3 consecutive bases within chr3:98,591,145-98,591,150 gives the same sequence; the position shown is the placement nearest the transcript's 3' end. VCF-style (leftmost placement, unchanged base first): chr3-98591144-TGCC-T. GRCh37 (hg19) VCF-style: chr3-98309988-TGCC-T.
Other names: short protein forms G189del.
Identifiers: ClinVar variation 3607899 (VCV003607899.2).